The following is an entry in ClinVar:

ClinVar aggregate classification (germline): Likely benign (0 of 4 stars; one submission).

Conditions:
DYNC1H1-related disorder. Also called: DYNC1H1-related disorders; DYNC1H1-related condition. Identifiers: MedGen CN381529.

Submission:

PreventionGenetics, part of Exact Sciences
Classification: Likely benign for DYNC1H1-related condition. Last evaluated: 2019-06-07. Review status: no assertion criteria provided. Collection method: clinical testing. Allele origin: germline.
Comment: This variant is classified as likely benign based on ACMG/AMP sequence variant interpretation guidelines (Richards et al. 2015 PMID: 25741868, with internal and published modifications).

NM_001376.5(DYNC1H1):c.3090T>C (p.Pro1030=)

Gene: DYNC1H1 (dynein cytoplasmic 1 heavy chain 1; plus strand). Cytogenetic location: 14q32.31.
Variant type: single nucleotide variant.
Coding change: c.3090T>C on transcript NM_001376.5 (MANE Select); coding-DNA position 3090, T replaced by C.
Protein change: p.Pro1030=; no amino-acid change (proline 1030 retained).
Molecular consequence: synonymous variant.
Genome position (GRCh38, 1-based): chr14:101,994,258, T>C. VCF-style: chr14-101994258-T-C. GRCh37 (hg19) VCF-style: chr14-102460595-T-C.
Identifiers: ClinVar variation 3034191 (VCV003034191.2), dbSNP rs2503713355, ClinGen allele CA487967557.